The following is an entry in ClinVar:

NM_022489.4(INF2):c.3536C>G (p.Thr1179Arg)

Gene: INF2 (inverted formin 2; plus strand). Cytogenetic location: 14q32.33.
Variant type: single nucleotide variant.
Coding change: c.3536C>G on transcript NM_022489.4 (MANE Select); coding-DNA position 3536, C replaced by G.
Protein change: p.Thr1179Arg; replaces threonine 1179 with arginine.
Molecular consequence: missense variant. On other transcripts: non-coding transcript variant (1).
Genome position (GRCh38, 1-based): chr14:104,714,698, C>G. VCF-style: chr14-104714698-C-G. GRCh37 (hg19) VCF-style: chr14-105181035-C-G.
Other names: c.3536C>G, p.Thr1179Arg (NM_001031714.4, NM_001426862.1, NM_001426863.1 and 2 more transcripts); short protein forms T1179R.
Identifiers: ClinVar variation 3759947 (VCV003759947.2).
Genomic context (GRCh38, chr14:104,714,698, plus strand): 5'-GTGGTGCCAGACCCCCTGCAGCAGGCCCAGGTGGGGATGAGGACGAGGACGAGGAGGACA[C>G]GGCCCCAGAGTCCGCACTGGACACATCCCTGGACAAGTCCTTCTCCGAGGATGCGGTGAC-3'
Protein context (NP_071934.3, residues 1169-1189): GGDEDEDEED[Thr1179Arg]APESALDTSL

ClinVar aggregate classification (germline): Uncertain significance (1 of 4 stars; one submission).

Conditions:
Focal segmental glomerulosclerosis 5 (FSGS5). Identifiers: Orphanet 656, MedGen C2750475, MONDO:0013191, OMIM 613237.
Charcot-Marie-Tooth disease dominant intermediate E. Also called: CHARCOT-MARIE-TOOTH NEUROPATHY WITH FOCAL SEGMENTAL GLOMERULONEPHRITIS. Identifiers: Orphanet 93114, MedGen C4302667, MONDO:0013758, OMIM 614455.

gnomAD v4.1: 5 of 1,610,576 alleles (0.00031%); highest among the groups gnomAD compares: East Asian, 0.0022%; no homozygotes.

Submission:

Labcorp Genetics (formerly Invitae), Labcorp
Classification: Uncertain significance for Charcot-Marie-Tooth disease dominant intermediate E; Focal segmental glomerulosclerosis 5. Last evaluated: 2025-06-15. Review status: criteria provided, single submitter. Criteria: Invitae Variant Classification Sherloc (09022015). Collection method: clinical testing. Allele origin: germline.
Comment: This sequence change replaces threonine, which is neutral and polar, with arginine, which is basic and polar, at codon 1179 of the INF2 protein (p.Thr1179Arg). This variant is not present in population databases (gnomAD no frequency). This variant has not been reported in the literature in individuals affected with INF2-related conditions. ClinVar contains an entry for this variant (Variation ID: 3759947). Invitae Evidence Modeling of protein sequence and biophysical properties (such as structural, functional, and spatial information, amino acid conservation, physicochemical variation, residue mobility, and thermodynamic stability) indicates that this missense variant is not expected to disrupt INF2 protein function with a negative predictive value of 95%. In summary, the available evidence is currently insufficient to determine the role of this variant in disease. Therefore, it has been classified as a Variant of Uncertain Significance.